The following is an entry in ClinVar:

NM_000890.5(KCNJ5):c.50T>A (p.Val17Asp)

Gene: KCNJ5 (potassium inwardly rectifying channel subfamily J member 5; plus strand). Cytogenetic location: 11q24.3.
Variant type: single nucleotide variant.
Coding change: c.50T>A on transcript NM_000890.5 (MANE Select); coding-DNA position 50, T replaced by A.
Protein change: p.Val17Asp; replaces valine 17 with aspartic acid.
Molecular consequence: missense variant.
Genome position (GRCh38, 1-based): chr11:128,911,323, T>A. VCF-style: chr11-128911323-T-A. GRCh37 (hg19) VCF-style: chr11-128781218-T-A.
Other names: c.50T>A, p.Val17Asp (NM_001354169.2); short protein forms V17D.
Identifiers: ClinVar variation 2908112 (VCV002908112.3), dbSNP rs745552297, ClinGen allele CA6357809.

ClinVar aggregate classification (germline): Uncertain significance (1 of 4 stars; one submission).

Conditions:
Long QT syndrome (LQTS). Identifiers: MedGen C0023976, MeSH D008133, MONDO:0002442. Disease mechanism: loss of function. Inheritance: Various modes of inheritance.

Allele frequency attached by ClinVar (database versions not stated): ExAC 0.00001; gnomAD exomes below 0.00001.

Submission:

Labcorp Genetics (formerly Invitae), Labcorp
Classification: Uncertain significance for Long QT syndrome. Last evaluated: 2025-10-24. Review status: criteria provided, single submitter. Criteria: Invitae Variant Classification Sherloc (09022015). Collection method: clinical testing. Allele origin: germline.
Comment: This sequence change replaces valine, which is neutral and non-polar, with aspartic acid, which is acidic and polar, at codon 17 of the KCNJ5 protein (p.Val17Asp). This variant is present in population databases (rs745552297, gnomAD 0.002%). This variant has not been reported in the literature in individuals affected with KCNJ5-related conditions. ClinVar contains an entry for this variant (Variation ID: 2908112). An algorithm developed to predict the effect of missense changes on protein structure and function (PolyPhen-2) suggests that this variant is likely to be tolerated. In summary, the available evidence is currently insufficient to determine the role of this variant in disease. Therefore, it has been classified as a Variant of Uncertain Significance.